The following is an entry in ClinVar:

NM_000492.4(CFTR):c.2284C>T (p.Gln762Ter)

Gene: CFTR (CF transmembrane conductance regulator; plus strand). Cytogenetic location: 7q31.2.
Variant type: single nucleotide variant.
Coding change: c.2284C>T on transcript NM_000492.4 (MANE Select); coding-DNA position 2284, C replaced by T.
Protein change: p.Gln762Ter; replaces glutamine 762 with a stop codon.
Molecular consequence: nonsense.
Genome position (GRCh38, 1-based): chr7:117,592,451, C>T. VCF-style: chr7-117592451-C-T. GRCh37 (hg19) VCF-style: chr7-117232505-C-T.
Other names: short protein forms Q762*.
Identifiers: ClinVar variation 4818499 (VCV004818499.1).
Genomic context (GRCh38, chr7:117,592,451, plus strand): 5'-TCTGAGCAGGGAGAGGCGATACTGCCTCGCATCAGCGTGATCAGCACTGGCCCCACGCTT[C>T]AGGCACGAAGGAGGCAGTCTGTCCTGAACCTGATGACACACTCAGTTAACCAAGGTCAGA-3'

ClinVar aggregate classification (germline): Likely pathogenic (1 of 4 stars; one submission).

Conditions:
CFTR-related disorder (CFTR-RD). Also called: CFTR-related disorders; CFTR-related condition. Identifiers: MedGen C5924204, MONDO:7770004.

Submission:

Natera, Inc.
Classification: Likely pathogenic for CFTR-related disorders. Last evaluated: 2025-08-20. Review status: criteria provided, single submitter. Criteria: Natera Variant Classification Schema (03/2026). Collection method: clinical testing. Allele origin: germline.
Comment: The c.2284C>T variant in CFTR is a nonsense variant predicted to introduce a stop codon at amino acid 762. This variant is expected to result in nonsense mediated decay, truncation, or a dysfunctional protein product. This variant is rare in the general population with a frequency below the threshold expected for the associated phenotype(s). Given the available evidence, this variant is classified as Likely Pathogenic.